The following is an entry in ClinVar:

ClinVar aggregate classification (germline): Uncertain significance (1 of 4 stars; one submission).

Submission:

GeneDx
Classification: Uncertain significance. Last evaluated: 2023-05-22. Review status: criteria provided, single submitter. Criteria: GeneDx Variant Classification Process June 2021. Collection method: clinical testing. Allele origin: germline. Affected: yes.
Comment: Not observed at significant frequency in large population cohorts (gnomAD); In silico analysis supports that this missense variant has a deleterious effect on protein structure/function; Has not been previously published as pathogenic or benign to our knowledge

NM_021614.4(KCNN2):c.1686G>C (p.Trp562Cys)

Genes: KCNN2 (potassium calcium-activated channel subfamily N member 2; plus strand), LOC101927078 (uncharacterized LOC101927078; minus strand). Cytogenetic location: 5q22.3.
Variant type: single nucleotide variant.
Coding change: c.1686G>C on transcript NM_021614.4 (MANE Select); coding-DNA position 1686, G replaced by C.
Protein change: p.Trp562Cys; replaces tryptophan 562 with cysteine.
Molecular consequence: missense variant. On other transcripts: non-coding transcript variant (2).
Genome position (GRCh38, 1-based): chr5:114,463,097, G>C. VCF-style: chr5-114463097-G-C. GRCh37 (hg19) VCF-style: chr5-113798794-G-C.
Other names: c.1884G>C, p.Trp628Cys (NM_001372233.1); c.6G>C, p.Trp2Cys (NM_170775.3); short protein forms W2C, W562C, W628C.
Identifiers: ClinVar variation 3343787 (VCV003343787.1).